The following is an entry in ClinVar:

ClinVar aggregate classification (germline): Uncertain significance (1 of 4 stars; one submission).

Conditions:
RYR1-related disorder. Also called: RYR1-related condition; RYR1-related disorders. Identifiers: MedGen CN239331.

Submission:

Labcorp Genetics (formerly Invitae), Labcorp
Classification: Uncertain significance for RYR1-related disorder. Last evaluated: 2021-08-31. Review status: criteria provided, single submitter. Criteria: Invitae Variant Classification Sherloc (09022015). Collection method: clinical testing. Allele origin: germline.
Comment: This variant has not been reported in the literature in individuals affected with RYR1-related conditions. This sequence change replaces isoleucine with valine at codon 4997 of the RYR1 protein (p.Ile4997Val). The isoleucine residue is highly conserved and there is a small physicochemical difference between isoleucine and valine. This variant is not present in population databases (ExAC no frequency). Algorithms developed to predict the effect of missense changes on protein structure and function are either unavailable or do not agree on the potential impact of this missense change (SIFT: "Deleterious"; PolyPhen-2: "Not Available"; Align-GVGD: "Class C0"). Algorithms developed to predict the effect of sequence changes on RNA splicing suggest that this variant may create or strengthen a splice site. In summary, the available evidence is currently insufficient to determine the role of this variant in disease. Therefore, it has been classified as a Variant of Uncertain Significance.

NM_000540.3(RYR1):c.14989A>G (p.Ile4997Val)

Gene: RYR1 (ryanodine receptor 1; plus strand). Cytogenetic location: 19q13.2.
Variant type: single nucleotide variant.
Coding change: c.14989A>G on transcript NM_000540.3 (MANE Select); coding-DNA position 14989, A replaced by G.
Protein change: p.Ile4997Val; replaces isoleucine 4997 with valine.
Molecular consequence: missense variant.
Genome position (GRCh38, 1-based): chr19:38,586,544, A>G. VCF-style: chr19-38586544-A-G. GRCh37 (hg19) VCF-style: chr19-39077184-A-G.
Other names: c.14974A>G, p.Ile4992Val (NM_001042723.2); short protein forms I4992V, I4997V.
Identifiers: ClinVar variation 1466039 (VCV001466039.8), dbSNP rs2145919519, ClinGen allele CA405693693.